The following is an entry in ClinVar:

NM_194454.3(KRIT1):c.152A>T (p.Lys51Ile)

Gene: KRIT1 (KRIT1 ankyrin repeat containing; minus strand). Cytogenetic location: 7q21.2.
Variant type: single nucleotide variant.
Coding change: c.152A>T on transcript NM_194454.3 (MANE Select); coding-DNA position 152, A replaced by T.
Protein change: p.Lys51Ile; replaces lysine 51 with isoleucine.
Molecular consequence: missense variant. On other transcripts: 5 prime UTR variant (1).
Genome position (GRCh38, 1-based): chr7:92,241,103, T>A on the plus strand (A>T on the coding strand, the complement: KRIT1 is on the minus strand). VCF-style: chr7-92241103-T-A. GRCh37 (hg19) VCF-style: chr7-91870417-T-A.
Other names: c.152A>T, p.Lys51Ile (NM_194456.1, NM_001013406.2, NM_001350669.1 and 29 more transcripts); c.-432A>T (NM_001350671.1); short protein forms K51I.
Identifiers: ClinVar variation 4094653 (VCV004094653.1).

ClinVar aggregate classification (germline): Uncertain significance (1 of 4 stars; one submission).

Conditions:
Inborn genetic diseases. Identifiers: MedGen C0950123, MeSH D030342.

Submission:

Ambry Genetics
Classification: Uncertain significance for Inborn genetic diseases. Last evaluated: 2025-06-20. Review status: criteria provided, single submitter. Criteria: Ambry Variant Classification Scheme 2023. Collection method: clinical testing. Allele origin: germline.
Comment: The p.K51I variant (also known as c.152A>T), located in coding exon 2 of the KRIT1 gene, results from an A to T substitution at nucleotide position 152. The lysine at codon 51 is replaced by isoleucine, an amino acid with dissimilar properties. This amino acid position is conserved. In addition, this alteration is predicted to be deleterious by in silico analysis. Based on the available evidence, the clinical significance of this variant remains unclear.